The following is an entry in ClinVar:

ClinVar aggregate classification (germline): Likely benign (1 of 4 stars; one submission).

Allele frequency attached by ClinVar (database versions not stated): ExAC 0.00010.
gnomAD v4.1: 10 of 1,573,558 alleles (0.00064%); highest among the groups gnomAD compares: South Asian, 0.012%; no homozygotes.

Submission:

CeGaT Center for Human Genetics Tuebingen
Classification: Likely benign. Last evaluated: 2022-10-01. Review status: criteria provided, single submitter. Criteria: CeGaT Center For Human Genetics Tuebingen Variant Classification Criteria Version 2. Collection method: clinical testing. Allele origin: germline. Affected: yes. Observed: 1 variant allele.
Comment: NOS2: BP4, BP7

NM_000625.4(NOS2):c.2740C>A (p.Arg914=)

Gene: NOS2 (nitric oxide synthase 2; minus strand). Cytogenetic location: 17q11.2.
Variant type: single nucleotide variant.
Coding change: c.2740C>A on transcript NM_000625.4 (MANE Select); coding-DNA position 2740, C replaced by A.
Protein change: p.Arg914=; no amino-acid change (arginine 914 retained).
Molecular consequence: synonymous variant.
Genome position (GRCh38, 1-based): chr17:27,762,858, G>T on the plus strand (C>A on the coding strand, the complement: NOS2 is on the minus strand). VCF-style: chr17-27762858-G-T. GRCh37 (hg19) VCF-style: chr17-26089884-G-T.
Identifiers: ClinVar variation 2647576 (VCV002647576.24), dbSNP rs767806769, ClinGen allele CA8454321.
Genomic context (GRCh38, chr17:27,762,858, plus strand): 5'-CTCGGGTGTGGTAGGTGACCACGGCCACAGTCAGGTGGATCTCTGTGGGCGTGTGATCCC[G>T]GGAGGAGCTGATGGAGTAGAACCTGGGCTTCAGAATGGGGAGCTGGGAAAGCAGGAAGCC-3'
Protein context (NP_000616.3, residues 904-924): KPRFYSISSS[Arg914=]DHTPTEIHLT